The following is an entry in ClinVar:

ClinVar aggregate classification (germline): Benign/Likely benign. Review status: criteria provided, multiple submitters, no conflicts (2 of 4 stars). 9 submissions from 9 submitters: Benign (7); Likely benign (1). 1 of the submissions does not count toward it. Last evaluated 2026-02-04.

Conditions:
Chronic granulomatous disease. Identifiers: Orphanet 379, MedGen C0018203, MONDO:0018305.
Granulomatous disease, chronic, autosomal recessive, cytochrome b-negative. Also called: GRANULOMATOUS DISEASE, CHRONIC, AUTOSOMAL RECESSIVE, 4; Chronic granulomatous disease, autosomal, due to deficiency of CYBA; CGD DUE TO DEFICIENCY OF THE ALPHA SUBUNIT OF CYTOCHROME b; CGD, AUTOSOMAL RECESSIVE CYTOCHROME b-NEGATIVE; CYBA DEFICIENCY. Identifiers: Orphanet 379, MedGen C1856255, MONDO:0009308, OMIM 233690.

Allele frequency attached by ClinVar (database versions not stated): ExAC 0.00788; 1000 Genomes Project 0.00879; 1000 Genomes Project 30x 0.01031; ESP Exome Variant Server 0.01729; gnomAD exomes 0.02086; TOPMed 0.02224; gnomAD 0.02505 and 0.02582.
gnomAD v4.1: 49,824 of 1,532,918 alleles (3.3%); highest among the groups gnomAD compares: Non-Finnish European, 3.9%; 1,029 homozygotes.

Submissions (9):

Labcorp Genetics (formerly Invitae), Labcorp
Classification: Benign for Granulomatous disease, chronic, autosomal recessive, cytochrome b-negative. Last evaluated: 2026-02-04. Review status: criteria provided, single submitter. Criteria: Invitae Variant Classification Sherloc (09022015). Collection method: clinical testing. Allele origin: germline.

Women's Health and Genetics/Laboratory Corporation of America, LabCorp
Classification: Benign. Last evaluated: 2026-01-21. Review status: criteria provided, single submitter. Criteria: LabCorp Variant Classification Summary - May 2015. Collection method: clinical testing. Allele origin: germline.

Blueprint Genetics
Classification: Likely benign. Last evaluated: 2024-11-27. Review status: criteria provided, single submitter. Criteria: ACMG Guidelines, 2015. Collection method: clinical testing. Allele origin: germline.

Mayo Clinic Laboratories, Mayo Clinic
Classification: Benign. Last evaluated: 2024-01-18. Review status: criteria provided, single submitter. Criteria: ACMG Guidelines, 2015. Collection method: clinical testing. Allele origin: germline. Observed: 23 variant alleles.
Comment: BS1, BS2, BP4, BP7

Eurofins Ntd Llc (ga)
Classification: Benign. Last evaluated: 2015-09-25. Review status: criteria provided, single submitter. Criteria: EGL Classification Definitions 2015. Collection method: clinical testing. Allele origin: germline. Observed: 6 variant alleles, 6 heterozygotes.

GeneDx
Classification: Benign. Last evaluated: 2015-03-03. Review status: criteria provided, single submitter. Criteria: GeneDx Variant Classification Process June 2021. Collection method: clinical testing. Allele origin: germline. Affected: yes.

Breakthrough Genomics
Classification: Benign. Review status: criteria provided, single submitter. Criteria: ACMG Guidelines, 2015. Collection method: not provided. Allele origin: germline. Inheritance: Autosomal recessive inheritance. Affected: yes.

PreventionGenetics, part of Exact Sciences
Classification: Benign. Review status: criteria provided, single submitter. Criteria: ACMG Guidelines, 2015. Collection method: clinical testing. Allele origin: germline.

Natera, Inc.
Classification: Benign for Chronic granulomatous disease. Last evaluated: 2020-09-16. Review status: no assertion criteria provided. Collection method: clinical testing. Allele origin: germline. Not counted in ClinVar's aggregate classification.

Literature cited by the submitters: PubMed 19388116 (cited by Mayo Clinic Laboratories, Mayo Clinic); PubMed 27048830 (cited by Mayo Clinic Laboratories, Mayo Clinic).

NM_000101.4(CYBA):c.381T>C (p.Arg127=)

Gene: CYBA (cytochrome b-245 alpha chain; minus strand). Cytogenetic location: 16q24.2.
Variant type: single nucleotide variant.
Coding change: c.381T>C on transcript NM_000101.4 (MANE Select); coding-DNA position 381, T replaced by C.
Protein change: p.Arg127=; no amino-acid change (arginine 127 retained).
Molecular consequence: synonymous variant.
Genome position (GRCh38, 1-based): chr16:88,643,560, A>G on the plus strand (T>C on the coding strand, the complement: CYBA is on the minus strand). VCF-style: chr16-88643560-A-G. GRCh37 (hg19) VCF-style: chr16-88709968-A-G.
Other names: p.Arg127=; c.381T>C (NM_000101.2).
Identifiers: ClinVar variation 255127 (VCV000255127.23), dbSNP rs12123, ClinGen allele CA8228209.